The following is an entry in ClinVar:

ClinVar aggregate classification (germline): Uncertain significance (1 of 4 stars; one submission).

Allele frequency attached by ClinVar (database versions not stated): TOPMed 0.00001; ExAC 0.00002; gnomAD exomes 0.00002; ESP Exome Variant Server 0.00008.
gnomAD v4.1: 27 of 1,611,930 alleles (0.0017%); highest among the groups gnomAD compares: Middle Eastern, 0.016%; no homozygotes.

Submission:

Labcorp Genetics (formerly Invitae), Labcorp
Classification: Uncertain significance. Last evaluated: 2024-05-13. Review status: criteria provided, single submitter. Criteria: Invitae Variant Classification Sherloc (09022015). Collection method: clinical testing. Allele origin: germline.
Comment: This sequence change replaces arginine, which is basic and polar, with histidine, which is basic and polar, at codon 512 of the ZNF408 protein (p.Arg512His). This variant is present in population databases (rs375760341, gnomAD 0.005%). This variant has not been reported in the literature in individuals affected with ZNF408-related conditions. ClinVar contains an entry for this variant (Variation ID: 1035697). An algorithm developed to predict the effect of missense changes on protein structure and function (PolyPhen-2) suggests that this variant is likely to be tolerated. In summary, the available evidence is currently insufficient to determine the role of this variant in disease. Therefore, it has been classified as a Variant of Uncertain Significance.

NM_024741.3(ZNF408):c.1535G>A (p.Arg512His)

Gene: ZNF408 (zinc finger protein 408; plus strand). Cytogenetic location: 11p11.2.
Variant type: single nucleotide variant.
Coding change: c.1535G>A on transcript NM_024741.3 (MANE Select); coding-DNA position 1535, G replaced by A.
Protein change: p.Arg512His; replaces arginine 512 with histidine.
Molecular consequence: missense variant.
Genome position (GRCh38, 1-based): chr11:46,705,235, G>A. VCF-style: chr11-46705235-G-A. GRCh37 (hg19) VCF-style: chr11-46726785-G-A.
Other names: c.1511G>A, p.Arg504His (NM_001184751.2); short protein forms R512H, R504H.
Identifiers: ClinVar variation 1035697 (VCV001035697.8), dbSNP rs375760341, ClinGen allele CA5966593.
Genomic context (GRCh38, chr11:46,705,235, plus strand): 5'-GAGAAAAGCCTTTCCTGTGCCCGCACTGTGGCCGGGCGTTTCGTCAGCGGGGCAACCTGC[G>A]TGGGCATTTGCGGCTCCACACCGGGGAGCGTCCTTACCGCTGCCCACACTGTGCCGATGC-3'
Protein context (NP_079017.1, residues 502-522): GRAFRQRGNL[Arg512His]GHLRLHTGER